The following is an entry in ClinVar:

ClinVar aggregate classification (germline): Pathogenic (1 of 4 stars; one submission).

Conditions:
Chédiak-Higashi syndrome (CHS). Also called: Chediak-Higashi Syndrome. Identifiers: Orphanet 167, MedGen C0007965, MONDO:0008963, OMIM 214500.

Submission:

Labcorp Genetics (formerly Invitae), Labcorp
Classification: Pathogenic for Chédiak-Higashi syndrome. Last evaluated: 2023-06-16. Review status: criteria provided, single submitter. Criteria: Invitae Variant Classification Sherloc (09022015). Collection method: clinical testing. Allele origin: germline.
Comment: For these reasons, this variant has been classified as Pathogenic. This variant has not been reported in the literature in individuals affected with LYST-related conditions. This variant is not present in population databases (gnomAD no frequency). This sequence change creates a premature translational stop signal (p.Trp1478*) in the LYST gene. It is expected to result in an absent or disrupted protein product. Loss-of-function variants in LYST are known to be pathogenic (PMID: 9215679, 11857544).

Literature cited by the submitters: PubMed 9215679; PubMed 11857544.

NM_000081.4(LYST):c.4434G>A (p.Trp1478Ter)

Gene: LYST (lysosomal trafficking regulator; minus strand). Cytogenetic location: 1q42.3.
Variant type: single nucleotide variant.
Coding change: c.4434G>A on transcript NM_000081.4 (MANE Select); coding-DNA position 4434, G replaced by A.
Protein change: p.Trp1478Ter; replaces tryptophan 1478 with a stop codon.
Molecular consequence: nonsense.
Genome position (GRCh38, 1-based): chr1:235,791,808, C>T on the plus strand (G>A on the coding strand, the complement: LYST is on the minus strand). VCF-style: chr1-235791808-C-T. GRCh37 (hg19) VCF-style: chr1-235955108-C-T.
Other names: c.4434G>A, p.Trp1478Ter (NM_001301365.1); short protein forms W1478*.
Identifiers: ClinVar variation 2717070 (VCV002717070.3), dbSNP rs2526908392, ClinGen allele CA344959458.
Genomic context (GRCh38, chr1:235,791,808, plus strand): 5'-CTTTATCTTCTTTCCTTTTTCTGTAGTACTCTCAGCTTCATGGATACACTCCACATTAAA[C>T]CACAGGGAAACACTGAAACCTTCTGATAGGTGTGGCCAGCAGTTTTGCCCCAGCAACGGC-3'